The following is an entry in ClinVar:

ClinVar aggregate classification (germline): Likely benign (1 of 4 stars; one submission).

Submission:

CeGaT Center for Human Genetics Tuebingen
Classification: Likely benign. Last evaluated: 2024-03-01. Review status: criteria provided, single submitter. Criteria: CeGaT Center For Human Genetics Tuebingen Variant Classification Criteria Version 2. Collection method: clinical testing. Allele origin: germline. Affected: yes. Observed: 1 variant allele.
Comment: PABPN1: PM2:Supporting, BP4, BP7

NM_004643.4(PABPN1):c.93C>G (p.Ala31=)

Genes: BCL2L2-PABPN1 (BCL2L2-PABPN1 readthrough; plus strand), PABPN1 (poly(A) binding protein nuclear 1; plus strand). Cytogenetic location: 14q11.2.
Variant type: single nucleotide variant.
Coding change: c.93C>G on transcript NM_004643.4 (MANE Select); coding-DNA position 93, C replaced by G.
Protein change: p.Ala31=; no amino-acid change (alanine 31 retained).
Molecular consequence: synonymous variant. On other transcripts: intron variant (8).
Genome position (GRCh38, 1-based): chr14:23,321,562, C>G. VCF-style: chr14-23321562-C-G. GRCh37 (hg19) VCF-style: chr14-23790771-C-G.
Other names: c.93C>G, p.Ala31= (NM_001360551.3); c.529-619C>G (NM_001387343.1, NM_001387342.1, NM_001387344.1 and 1 more transcripts); c.433-619C>G (NM_001387345.1, NM_001387346.1, NM_001199864.3); c.550-619C>G (NM_001387340.1).
Identifiers: ClinVar variation 3067326 (VCV003067326.21), dbSNP rs2501944019, ClinGen allele CA485761752.